The following is an entry in ClinVar:

ClinVar aggregate classification (germline): Uncertain significance (1 of 4 stars; one submission).

gnomAD v4.1: 1 of 1,614,110 alleles (0.000062%); highest among the groups gnomAD compares: Non-Finnish European, 0.000085%; no homozygotes.

Submission:

Labcorp Genetics (formerly Invitae), Labcorp
Classification: Uncertain significance. Last evaluated: 2022-07-25. Review status: criteria provided, single submitter. Criteria: Invitae Variant Classification Sherloc (09022015). Collection method: clinical testing. Allele origin: germline.
Comment: This sequence change replaces tyrosine, which is neutral and polar, with cysteine, which is neutral and slightly polar, at codon 137 of the IFT43 protein (p.Tyr137Cys). This variant is not present in population databases (gnomAD no frequency). This variant has not been reported in the literature in individuals affected with IFT43-related conditions. ClinVar contains an entry for this variant (Variation ID: 1345153). Algorithms developed to predict the effect of missense changes on protein structure and function (SIFT, PolyPhen-2, Align-GVGD) all suggest that this variant is likely to be disruptive. In summary, the available evidence is currently insufficient to determine the role of this variant in disease. Therefore, it has been classified as a Variant of Uncertain Significance.

NM_001102564.3(IFT43):c.395A>G (p.Tyr132Cys)

Gene: IFT43 (intraflagellar transport 43; plus strand). Cytogenetic location: 14q24.3.
Variant type: single nucleotide variant.
Coding change: c.395A>G on transcript NM_001102564.3 (MANE Select); coding-DNA position 395, A replaced by G.
Protein change: p.Tyr132Cys; replaces tyrosine 132 with cysteine.
Molecular consequence: missense variant. On other transcripts: non-coding transcript variant (2).
Genome position (GRCh38, 1-based): chr14:76,082,643, A>G. VCF-style: chr14-76082643-A-G. GRCh37 (hg19) VCF-style: chr14-76548986-A-G.
Other names: c.410A>G, p.Tyr137Cys (NM_052873.3); short protein forms Y132C, Y137C.
Identifiers: ClinVar variation 1345153 (VCV001345153.8), dbSNP rs201692401, ClinGen allele CA390474264.